The following is an entry in ClinVar:

NM_001257370.2(EME2):c.270C>T (p.Ala90=)

Genes: EME2 (essential meiotic structure-specific endonuclease subunit 2; plus strand), LOC130058187 (ATAC-STARR-seq lymphoblastoid silent region 7005; plus strand). Cytogenetic location: 16p13.3.
Variant type: single nucleotide variant.
Coding change: c.270C>T on transcript NM_001257370.2 (MANE Select); coding-DNA position 270, C replaced by T.
Protein change: p.Ala90=; no amino-acid change (alanine 90 retained).
Molecular consequence: synonymous variant.
Genome position (GRCh38, 1-based): chr16:1,773,727, C>T. VCF-style: chr16-1773727-C-T. GRCh37 (hg19) VCF-style: chr16-1823728-C-T.
Identifiers: ClinVar variation 2645946 (VCV002645946.24), dbSNP rs199761703, ClinGen allele CA7818573.

ClinVar aggregate classification (germline): Likely benign (1 of 4 stars; one submission).

Allele frequency attached by ClinVar (database versions not stated): ESP Exome Variant Server 0.00196; 1000 Genomes Project 30x 0.00219; 1000 Genomes Project 0.00220; gnomAD 0.00275; TOPMed 0.00283; gnomAD exomes 0.00376; ExAC 0.00765.

Submission:

CeGaT Center for Human Genetics Tuebingen
Classification: Likely benign. Last evaluated: 2023-02-01. Review status: criteria provided, single submitter. Criteria: CeGaT Center For Human Genetics Tuebingen Variant Classification Criteria Version 2. Collection method: clinical testing. Allele origin: germline. Affected: yes. Observed: 2 variant alleles.
Comment: EME2: BP4, BP7, BS2